The following is an entry in ClinVar:

ClinVar aggregate classification (germline): Uncertain significance. Review status: criteria provided, multiple submitters, no conflicts (2 of 4 stars). 2 submissions from 2 submitters: Uncertain significance (2). Last evaluated 2025-08-05.

Conditions:
GFI1-related disorder. Also called: GFI1-related condition.

Submissions (2):

Ambry Genetics
Classification: Uncertain significance. Last evaluated: 2025-08-05. Review status: criteria provided, single submitter. Criteria: Ambry Variant Classification Scheme 2023. Collection method: clinical testing. Allele origin: germline.
Comment: The p.T281A variant (also known as c.841A>G), located in coding exon 4 of the GFI1 gene, results from an A to G substitution at nucleotide position 841. The threonine at codon 281 is replaced by alanine, an amino acid with similar properties. This amino acid position is conserved. In addition, this alteration is predicted to be tolerated by in silico analysis. Based on the available evidence, the clinical significance of this variant remains unclear.

PreventionGenetics, part of Exact Sciences
Classification: Uncertain significance for GFI1-related condition. Last evaluated: 2025-01-10. Review status: criteria provided, single submitter. Criteria: ACMG Guidelines, 2015. Collection method: clinical testing. Allele origin: germline.
Comment: The GFI1 c.841A>G variant is predicted to result in the amino acid substitution p.Thr281Ala. To our knowledge, this variant has not been reported in the literature or in a large population database (gnomAD), indicating this variant is rare. At this time, the clinical significance of this variant is uncertain due to the absence of conclusive functional and genetic evidence.

NM_005263.5(GFI1):c.841A>G (p.Thr281Ala)

Gene: GFI1 (growth factor independent 1 transcriptional repressor; minus strand). Cytogenetic location: 1p22.1.
Variant type: single nucleotide variant.
Coding change: c.841A>G on transcript NM_005263.5 (MANE Select); coding-DNA position 841, A replaced by G.
Protein change: p.Thr281Ala; replaces threonine 281 with alanine.
Molecular consequence: missense variant.
Genome position (GRCh38, 1-based): chr1:92,480,431, T>C on the plus strand (A>G on the coding strand, the complement: GFI1 is on the minus strand). VCF-style: chr1-92480431-T-C. GRCh37 (hg19) VCF-style: chr1-92945988-T-C.
Other names: c.841A>G, p.Thr281Ala (NM_001127215.3, NM_001127216.3); short protein forms T281A.
Identifiers: ClinVar variation 4263228 (VCV004263228.2).